The following is an entry in ClinVar:

ClinVar aggregate classification (germline): Benign/Likely benign. Review status: criteria provided, multiple submitters, no conflicts (2 of 4 stars). 3 submissions from 3 submitters: Benign (1); Likely benign (2). Last evaluated 2025-06-03.

Conditions:
Hereditary cancer-predisposing syndrome. Also called: Hereditary neoplastic syndrome; Neoplastic Syndromes, Hereditary; Tumor predisposition; Hereditary Cancer Syndrome. Identifiers: Orphanet 140162, MedGen C0027672, MeSH D009386, MONDO:0015356.
Tuberous sclerosis 2 (TSC2). Identifiers: Orphanet 805, MedGen C1860707, MONDO:0013199, OMIM 613254.

Allele frequency attached by ClinVar (database versions not stated): gnomAD exomes below 0.00001 and 0.00001; gnomAD 0.00001.
gnomAD v4.1: 8 of 1,603,168 alleles (0.0005%); highest among the groups gnomAD compares: African/African-American, 0.0013%; no homozygotes.

Submissions (3):

Myriad Genetics, Inc.
Classification: Benign for Tuberous sclerosis 2. Last evaluated: 2025-06-03. Review status: criteria provided, single submitter. Criteria: Myriad Autosomal Dominant, Autosomal Recessive and X-Linked Classification Criteria (2023). Collection method: clinical testing. Allele origin: unknown.
Comment: This variant is considered benign. This variant is a silent/synonymous amino acid change and it is not expected to impact splicing.

Labcorp Genetics (formerly Invitae), Labcorp
Classification: Likely benign for Tuberous sclerosis 2. Last evaluated: 2025-04-07. Review status: criteria provided, single submitter. Criteria: Invitae Variant Classification Sherloc (09022015). Collection method: clinical testing. Allele origin: germline.

Ambry Genetics
Classification: Likely benign for Hereditary cancer-predisposing syndrome. Last evaluated: 2022-06-07. Review status: criteria provided, single submitter. Criteria: Ambry Variant Classification Scheme 2023. Collection method: clinical testing. Allele origin: germline.

NM_000548.5(TSC2):c.4383C>T (p.Tyr1461=)

Gene: TSC2 (TSC complex subunit 2; plus strand). Cytogenetic location: 16p13.3.
Variant type: single nucleotide variant.
Coding change: c.4383C>T on transcript NM_000548.5 (MANE Select); coding-DNA position 4383, C replaced by T.
Protein change: p.Tyr1461=; no amino-acid change (tyrosine 1461 retained).
Molecular consequence: synonymous variant.
Genome position (GRCh38, 1-based): chr16:2,084,605, C>T. VCF-style: chr16-2084605-C-T. GRCh37 (hg19) VCF-style: chr16-2134606-C-T.
Other names: c.4182C>T, p.Tyr1394= (NM_001077183.3); c.4314C>T, p.Tyr1438= (NM_001114382.3); c.4074C>T, p.Tyr1358= (NM_001318827.2); c.4038C>T, p.Tyr1346= (NM_001318829.2); c.3651C>T, p.Tyr1217= (NM_001318831.2); c.4215C>T, p.Tyr1405= (NM_001318832.2); c.4185C>T, p.Tyr1395= (NM_001363528.2); c.4251C>T, p.Tyr1417= (NM_001370404.1); and 1 more.
Identifiers: ClinVar variation 468087 (VCV000468087.14), dbSNP rs397514977, ClinGen allele CA493043308.